The following is an entry in ClinVar:

ClinVar aggregate classification (germline): Pathogenic (1 of 4 stars; one submission).

Conditions:
Episodic kinesigenic dyskinesia (EKD). Also called: Paroxysmal kinesigenic dyskinesia. Identifiers: Orphanet 98809, MedGen C1868682, MONDO:0044202.

Submission:

Labcorp Genetics (formerly Invitae), Labcorp
Classification: Pathogenic for Episodic kinesigenic dyskinesia. Last evaluated: 2024-10-31. Review status: criteria provided, single submitter. Criteria: Invitae Variant Classification Sherloc (09022015). Collection method: clinical testing. Allele origin: germline.
Comment: This sequence change creates a premature translational stop signal (p.Pro168Argfs*5) in the PRRT2 gene. It is expected to result in an absent or disrupted protein product. Loss-of-function variants in PRRT2 are known to be pathogenic (PMID: 22623405, 22744660). This variant is present in population databases (rs746547849, gnomAD 0.003%). This premature translational stop signal has been observed in individual(s) with benign infantile epilepsy (PMID: 31154286). For these reasons, this variant has been classified as Pathogenic.

Literature cited by the submitters: PubMed 22623405; PubMed 22744660; PubMed 31154286.

NM_145239.3(PRRT2):c.503_504del (p.Pro168fs)

Genes: MVP-DT (MVP divergent transcript; minus strand), PRRT2 (proline rich transmembrane protein 2; plus strand). Cytogenetic location: 16p11.2.
Variant type: Deletion.
Coding change: c.503_504del on transcript NM_145239.3 (MANE Select); coding-DNA positions 503 to 504, 2 bases deleted (CT; older notation c.503_504delCT).
Protein change: p.Pro168fs; shifts the reading frame from proline 168.
Molecular consequence: frameshift variant.
Genome position (GRCh38, 1-based): chr16:29,813,557-29,813,558, CT deleted. VCF-style (leftmost placement, unchanged base first): chr16-29813556-CCT-C. GRCh37 (hg19) VCF-style: chr16-29824877-CCT-C.
Other names: c.503_504del, p.Pro168fs (NM_001256442.2, NM_001256443.2); short protein forms P168fs.
Identifiers: ClinVar variation 3609752 (VCV003609752.2).